The following is an entry in ClinVar:

ClinVar aggregate classification (germline): Benign/Likely benign. Review status: criteria provided, multiple submitters, no conflicts (2 of 4 stars). 11 submissions from 11 submitters: Benign (7); Likely benign (1). 3 of the submissions do not count toward it. Last evaluated 2026-02-04.

Conditions:
Retinal dystrophy. Also called: Inherited retinal dystrophy. Identifiers: Orphanet 71862, MedGen C0854723, MeSH D058499, MONDO:0019118, HP:0000556.
Retinitis pigmentosa (RP). Identifiers: Orphanet 791, MedGen C0035334, MeSH D012174, MONDO:0019200, OMIM 268000. Inheritance: Autosomal dominant, autosomal recessive and X linked inheritance.
Retinitis pigmentosa 25 (RP25). Identifiers: Orphanet 791, MedGen C1864446, MONDO:0011272, OMIM 602772.

Allele frequency attached by ClinVar (database versions not stated): gnomAD 0.27343 and 0.27547; TOPMed 0.27490; ExAC 0.28638; 1000 Genomes Project 30x 0.28763; 1000 Genomes Project 0.29133; gnomAD exomes 0.29617 and 0.30471.
gnomAD v4.1: 448,024 of 1,521,466 alleles (29%); highest among the groups gnomAD compares: East Asian, 46%; 67,207 homozygotes.

Submissions (11):

Labcorp Genetics (formerly Invitae), Labcorp
Classification: Benign. Last evaluated: 2026-02-04. Review status: criteria provided, single submitter. Criteria: Invitae Variant Classification Sherloc (09022015). Collection method: clinical testing. Allele origin: germline.

Blueprint Genetics
Classification: Benign. Last evaluated: 2024-11-27. Review status: criteria provided, single submitter. Criteria: ACMG Guidelines, 2015. Collection method: clinical testing. Allele origin: germline.

ARUP Laboratories, Molecular Genetics and Genomics, ARUP Laboratories
Classification: Benign for Retinitis pigmentosa 25. Last evaluated: 2023-11-29. Review status: criteria provided, single submitter. Criteria: ARUP Molecular Germline Variant Investigation Process 2024. Collection method: clinical testing. Allele origin: germline.

Dept Of Ophthalmology, Nagoya University
Classification: Benign for Retinal dystrophy. Last evaluated: 2023-10-01. Review status: criteria provided, single submitter. Criteria: Submitter's publication. Collection method: research. Allele origin: germline. Affected: yes.

Women's Health and Genetics/Laboratory Corporation of America, LabCorp
Classification: Likely benign. Last evaluated: 2023-04-17. Review status: criteria provided, single submitter. Criteria: LabCorp Variant Classification Summary - May 2015. Collection method: clinical testing. Allele origin: germline.

Genome-Nilou Lab
Classification: Benign for Retinitis pigmentosa 25. Last evaluated: 2021-07-01. Review status: criteria provided, single submitter. Criteria: ACMG Guidelines, 2015. Collection method: clinical testing. Allele origin: germline. Affected: no.

Illumina Laboratory Services, Illumina
Classification: Benign for Retinitis pigmentosa. Last evaluated: 2018-01-12. Review status: criteria provided, single submitter. Criteria: ICSL Variant Classification Criteria 13 December 2019. Collection method: clinical testing. Allele origin: germline.
Comment: This variant was observed in the ICSL laboratory as part of a predisposition screen in an ostensibly healthy population. It had not been previously curated by ICSL or reported in the Human Gene Mutation Database (HGMD: prior to June 1st, 2018), and was therefore a candidate for classification through an automated scoring system. Utilizing variant allele frequency, disease prevalence and penetrance estimates, and inheritance mode, an automated score was calculated to assess if this variant is too frequent to cause the disease. Based on the score and internal cut-off values, a variant classified as benign is not then subjected to further curation. The score for this variant resulted in a classification of benign for this disease.

GeneDx
Classification: Benign. Last evaluated: 2011-07-05. Review status: criteria provided, single submitter. Criteria: GeneDx Variant Classification (06012015). Collection method: clinical testing. Allele origin: germline. Affected: yes.
Comment: This variant is considered likely benign or benign based on one or more of the following criteria: it is a conservative change, it occurs at a poorly conserved position in the protein, it is predicted to be benign by multiple in silico algorithms, and/or has population frequency not consistent with disease.

Natera, Inc.
Classification: Benign for Retinitis pigmentosa. Last evaluated: 2020-09-16. Review status: no assertion criteria provided. Collection method: clinical testing. Allele origin: germline. Not counted in ClinVar's aggregate classification.

Diagnostic Laboratory, Department of Genetics, University Medical Center Groningen
Classification: Benign. Review status: no assertion criteria provided. Collection method: clinical testing. Allele origin: germline. Affected: yes. Study: VKGL Data-share Consensus. Not counted in ClinVar's aggregate classification.

Joint Genome Diagnostic Labs from Nijmegen and Maastricht, Radboudumc and MUMC+
Classification: Benign. Review status: no assertion criteria provided. Collection method: clinical testing. Allele origin: germline. Affected: yes. Study: VKGL Data-share Consensus. Not counted in ClinVar's aggregate classification.

NM_001142800.2(EYS):c.5705A>T (p.Asn1902Ile)

Gene: EYS (EGF-like photoreceptor maintenance factor; minus strand). Cytogenetic location: 6q12.
Variant type: single nucleotide variant.
Coding change: c.5705A>T on transcript NM_001142800.2 (MANE Select); coding-DNA position 5705, A replaced by T.
Protein change: p.Asn1902Ile; replaces asparagine 1902 with isoleucine.
Molecular consequence: missense variant.
Genome position (GRCh38, 1-based): chr6:64,439,292, T>A on the plus strand (A>T on the coding strand, the complement: EYS is on the minus strand). VCF-style: chr6-64439292-T-A. GRCh37 (hg19) VCF-style: chr6-65149185-T-A.
Other names: p.N1902I:AAT>ATT; c.5705A>T (FM209056.1); c.5705A>T, p.Asn1902Ile (NM_001292009.2); short protein forms N1902I.
Identifiers: ClinVar variation 137256 (VCV000137256.34), dbSNP rs9353806, ClinGen allele CA290790.